The following is an entry in ClinVar:

ClinVar aggregate classification (germline): Uncertain significance (1 of 4 stars; one submission).

Allele frequency attached by ClinVar (database versions not stated): ExAC 0.00001; gnomAD exomes 0.00001 and 0.00002; gnomAD 0.00002; TOPMed 0.00002.
gnomAD v4.1: 28 of 1,613,816 alleles (0.0017%); highest among the groups gnomAD compares: Non-Finnish European, 0.0024%; no homozygotes.

Submission:

Labcorp Genetics (formerly Invitae), Labcorp
Classification: Uncertain significance. Last evaluated: 2025-12-07. Review status: criteria provided, single submitter. Criteria: Invitae Variant Classification Sherloc (09022015). Collection method: clinical testing. Allele origin: germline.
Comment: This sequence change replaces glutamine, which is neutral and polar, with arginine, which is basic and polar, at codon 840 of the ITGAM protein (p.Gln840Arg). This variant is present in population databases (rs200349634, gnomAD 0.002%). This variant has not been reported in the literature in individuals affected with ITGAM-related conditions. ClinVar contains an entry for this variant (Variation ID: 1432915). An algorithm developed to predict the effect of missense changes on protein structure and function outputs the following: PolyPhen-2: "Benign". The arginine amino acid residue is found in multiple mammalian species, which suggests that this missense change does not adversely affect protein function. In summary, the available evidence is currently insufficient to determine the role of this variant in disease. Therefore, it has been classified as a Variant of Uncertain Significance.

NM_000632.4(ITGAM):c.2519A>G (p.Gln840Arg)

Gene: ITGAM (integrin subunit alpha M; plus strand). Cytogenetic location: 16p11.2.
Variant type: single nucleotide variant.
Coding change: c.2519A>G on transcript NM_000632.4 (MANE Select); coding-DNA position 2519, A replaced by G.
Protein change: p.Gln840Arg; replaces glutamine 840 with arginine.
Molecular consequence: missense variant.
Genome position (GRCh38, 1-based): chr16:31,325,513, A>G. VCF-style: chr16-31325513-A-G. GRCh37 (hg19) VCF-style: chr16-31336834-A-G.
Other names: c.2522A>G, p.Gln841Arg (NM_001145808.2); short protein forms Q841R, Q840R.
Identifiers: ClinVar variation 1432915 (VCV001432915.8), dbSNP rs200349634, ClinGen allele CA8025857.
Genomic context (GRCh38, chr16:31,325,513, plus strand): 5'-CACGGCCGGAGGTGGATATCACCGCCTTTGCCTCCCCTGCCTTCCAGAACCAGCGCTCAC[A>G]GCGATCCTGGCGCCTGGCCTGTGAGTCTGCCTCCTCCACCGAAGTGTCTGGGGCCTTGAA-3'
Protein context (NP_000623.2, residues 830-850): KVSTLQNQRS[Gln840Arg]RSWRLACESA